The following is an entry in ClinVar:

ClinVar aggregate classification (germline): Likely pathogenic (1 of 4 stars; one submission).

Conditions:
Glycogen storage disease IXc (GSD9C). Also called: GSD IXc. Identifiers: Orphanet 264580, MedGen C2751643, MONDO:0013091, OMIM 613027.

Submission:

3billion
Classification: Likely pathogenic for Glycogen storage disease IXc. Last evaluated: 2025-11-18. Review status: criteria provided, single submitter. Criteria: ACMG Guidelines, 2015. Collection method: clinical testing. Allele origin: germline. Affected: yes.
Comment: The variant is observed at an extremely low frequency in the gnomAD v4.1.0 dataset (total allele frequency: <0.001%). Predicted Consequence/Location: Missense variant Damaging effect on gene or gene product predicted by in silico programs is uncertain [REVEL: 0.41 (damaging >=0.6, benign <0.4), 3Cnet: 0.11 (damaging >0.75, benign <0.1)]. The same nucleotide change resulting in the same amino acid change has been previously reported to be associated with PHKG2-related disorder (PMID: 32697758).The variant has been reported to be in trans with a pathogenic variant as either compound heterozygous or homozygous in at least one similarly affected unrelated individual (PMID: 32697758). The variant has been reported to co-segregate with the disease in at least one similarly affected relative/individual in the same family or similarly affected unrelated families (PMID: 32697758). Therefore, this variant is classified as Likely pathogenic according to the recommendation of ACMG/AMP guideline.

Literature cited by the submitters: PubMed 32697758.

NM_000294.3(PHKG2):c.107C>T (p.Ser36Phe)

Gene: PHKG2 (phosphorylase kinase catalytic subunit gamma 2; plus strand). Cytogenetic location: 16p11.2.
Variant type: single nucleotide variant.
Coding change: c.107C>T on transcript NM_000294.3 (MANE Select); coding-DNA position 107, C replaced by T.
Protein change: p.Ser36Phe; replaces serine 36 with phenylalanine.
Molecular consequence: missense variant.
Genome position (GRCh38, 1-based): chr16:30,751,117, C>T. VCF-style: chr16-30751117-C-T. GRCh37 (hg19) VCF-style: chr16-30762438-C-T.
Other names: c.107C>T, p.Ser36Phe (NM_001172432.2); short protein forms S36F.
Identifiers: ClinVar variation 4854524 (VCV004854524.1).